The following is an entry in ClinVar:

NM_001429.4(EP300):c.3434T>A (p.Leu1145His)

Gene: EP300 (EP300 lysine acetyltransferase; plus strand). Cytogenetic location: 22q13.2.
Variant type: single nucleotide variant.
Coding change: c.3434T>A on transcript NM_001429.4 (MANE Select); coding-DNA position 3434, T replaced by A.
Protein change: p.Leu1145His; replaces leucine 1145 with histidine.
Molecular consequence: missense variant.
Genome position (GRCh38, 1-based): chr22:41,157,341, T>A. VCF-style: chr22-41157341-T-A. GRCh37 (hg19) VCF-style: chr22-41553345-T-A.
Other names: c.3356T>A, p.Leu1119His (NM_001362843.2); short protein forms L1119H, L1145H.
Identifiers: ClinVar variation 4795181 (VCV004795181.1).

ClinVar aggregate classification (germline): Uncertain significance (1 of 4 stars; one submission).

Conditions:
EP300-related disorder. Also called: EP300-related condition; EP300-related disorders.

Submission:

Laboratorio de Biologia Molecular/Medicina Genomica - IFF/Fiocruz, Instituto Fernandes Figueira, Fundacao Oswaldo Cruz
Classification: Uncertain significance for EP300-related conditions. Last evaluated: 2025-09-01. Review status: criteria provided, single submitter. Criteria: ACMG Guidelines, 2015. Collection method: clinical testing. Allele origin: de novo. Affected: yes. Observed: 1 variant allele.
Comment: Variant: c.3434T>A (p.Leu1145His) in exon 18 of the EP300 gene. Protein effect: Missense variant at a highly conserved residue. In silico tools: Predict a deleterious impact. Population database (gnomAD): Absent. Segregation/phase data: Internal segregation analysis supports a de novo occurrence. ACMG/AMP criteria applied: PM2_Supporting, PP3.